The following is an entry in ClinVar:

NM_198428.3(BBS9):c.1967G>A (p.Arg656Gln)

Gene: BBS9 (Bardet-Biedl syndrome 9; plus strand). Cytogenetic location: 7p14.3.
Variant type: single nucleotide variant.
Coding change: c.1967G>A on transcript NM_198428.3 (MANE Select); coding-DNA position 1967, G replaced by A.
Protein change: p.Arg656Gln; replaces arginine 656 with glutamine.
Molecular consequence: missense variant. On other transcripts: non-coding transcript variant (3).
Genome position (GRCh38, 1-based): chr7:33,387,996, G>A. VCF-style: chr7-33387996-G-A. GRCh37 (hg19) VCF-style: chr7-33427608-G-A.
Other names: c.1862G>A, p.Arg621Gln (NM_001033604.2); c.1952G>A, p.Arg651Gln (NM_001033605.2); c.1967G>A, p.Arg656Gln (NM_001348036.1, NM_001348041.4, NM_001348043.3 and 1 more transcripts); c.1601G>A, p.Arg534Gln (NM_001348037.3, NM_001348045.3, NM_001348046.3); c.1694G>A, p.Arg565Gln (NM_001348038.3); c.1589G>A, p.Arg530Gln (NM_001348039.3); c.1847G>A, p.Arg616Gln (NM_001348040.3, NM_014451.4); c.1832G>A, p.Arg611Gln (NM_001348042.3); and 1 more; short protein forms R499Q, R530Q, R534Q, R565Q, R611Q, R616Q, R621Q, R651Q.
Identifiers: ClinVar variation 3358241 (VCV003358241.7).
Genomic context (GRCh38, chr7:33,387,996, plus strand): 5'-TTTAAAGATGTTTTTTGTGTCCATTTAATCTCAATTTAAGAAATTATTCATTGCAGCTAC[G>A]GATAAATGGTGAAAAATTAGAAGAACTCTTATCTGAGAGAGCTGTACAATTTCGGGCCAT-3'
Protein context (NP_940820.1, residues 646-666): FELIDHHFEL[Arg656Gln]INGEKLEELL

ClinVar aggregate classification (germline): Uncertain significance. Review status: criteria provided, multiple submitters, no conflicts (2 of 4 stars). 6 submissions from 6 submitters: Uncertain significance (6). Last evaluated 2026-08-10.

Conditions:
Bardet-Biedl syndrome (BBS). Identifiers: Orphanet 110, MedGen C0752166, MONDO:0015229.
Bardet-Biedl syndrome 9 (BBS9). Identifiers: Orphanet 110, MedGen C1859567, MONDO:0014437, OMIM 615986.
BBS9-related disorder. Also called: BBS9-related condition.
Inborn genetic diseases. Identifiers: MedGen C0950123, MeSH D030342.

Submissions (6):

PreventionGenetics, part of Exact Sciences
Classification: Uncertain significance for BBS9-related condition. Last evaluated: 2026-08-10. Review status: criteria provided, single submitter. Criteria: ACMG Guidelines, 2015. Collection method: clinical testing. Allele origin: germline.
Comment: The BBS9 c.1967G>A variant is predicted to result in the amino acid substitution p.Arg656Gln. This variant is located 5 nucleotides from the start of the exon and is predicted to alter splicing based on available splicing prediction software (SpliceAI, Jaganathan et al. 2019. PubMed ID: 30661751). However, the use of computer prediction software is not equivalent to functional evidence. This variant has been reported in the heterozygous state in an individual with retinitis pigmentosa (RP) who also carried other potential disease causing variants (Supplementary Table 1, Tiwari et al. 2016. PubMed ID: 27353947). This variant is reported in 0.020% of alleles in individuals of South Asian descent in gnomAD. At this time, the clinical significance of this variant is uncertain due to the absence of conclusive functional and genetic evidence.

GeneDx
Classification: Uncertain significance. Last evaluated: 2025-06-25. Review status: criteria provided, single submitter. Criteria: GeneDx Variant Classification Process June 2021. Collection method: clinical testing. Allele origin: germline. Affected: yes.
Comment: In silico analysis supports that this missense variant has a deleterious effect on protein structure/function; Has not been previously published as pathogenic or benign to our knowledge; In silico analysis suggests this variant may impact gene splicing. In the absence of RNA/functional studies, the actual effect of this sequence change is unknown.

Ambry Genetics
Classification: Uncertain significance for Inborn genetic diseases. Last evaluated: 2025-02-09. Review status: criteria provided, single submitter. Criteria: Ambry Variant Classification Scheme 2023. Collection method: clinical testing. Allele origin: germline.

Labcorp Genetics (formerly Invitae), Labcorp
Classification: Uncertain significance for Bardet-Biedl syndrome. Last evaluated: 2024-11-27. Review status: criteria provided, single submitter. Criteria: Invitae Variant Classification Sherloc (09022015). Collection method: clinical testing. Allele origin: germline.
Comment: This sequence change replaces arginine, which is basic and polar, with glutamine, which is neutral and polar, at codon 656 of the BBS9 protein (p.Arg656Gln). This variant is present in population databases (rs531788298, gnomAD 0.02%). This variant has not been reported in the literature in individuals affected with BBS9-related conditions. Invitae Evidence Modeling of protein sequence and biophysical properties (such as structural, functional, and spatial information, amino acid conservation, physicochemical variation, residue mobility, and thermodynamic stability) indicates that this missense variant is expected to disrupt BBS9 protein function with a positive predictive value of 80%. In summary, the available evidence is currently insufficient to determine the role of this variant in disease. Therefore, it has been classified as a Variant of Uncertain Significance.

Fulgent Genetics
Classification: Uncertain significance for Bardet-Biedl syndrome 9. Last evaluated: 2024-06-20. Review status: criteria provided, single submitter. Criteria: ACMG Guidelines, 2015. Collection method: clinical testing. Allele origin: germline.

Blueprint Genetics
Classification: Uncertain significance. Last evaluated: 2023-11-08. Review status: criteria provided, single submitter. Criteria: ACMG Guidelines, 2015. Collection method: clinical testing. Allele origin: germline.